The following is an entry in ClinVar:

NM_004281.4(BAG3):c.1054T>C (p.Ser352Pro)

Gene: BAG3 (BAG cochaperone 3; plus strand). Cytogenetic location: 10q26.11.
Variant type: single nucleotide variant.
Coding change: c.1054T>C on transcript NM_004281.4 (MANE Select); coding-DNA position 1054, T replaced by C.
Protein change: p.Ser352Pro; replaces serine 352 with proline.
Molecular consequence: missense variant.
Genome position (GRCh38, 1-based): chr10:119,676,608, T>C. VCF-style: chr10-119676608-T-C. GRCh37 (hg19) VCF-style: chr10-121436120-T-C.
Other names: short protein forms S352P.
Identifiers: ClinVar variation 2139301 (VCV002139301.4), dbSNP rs1430277589, ClinGen allele CA378296544.

ClinVar aggregate classification (germline): Uncertain significance (1 of 4 stars; one submission).

Conditions:
Myofibrillar myopathy 6. Identifiers: Orphanet 199340, MedGen C2751831, MONDO:0013061, OMIM 612954.
Dilated cardiomyopathy 1HH (CMD1HH). Identifiers: Orphanet 154, MedGen C3151293, MONDO:0013479, OMIM 613881.

Allele frequency attached by ClinVar (database versions not stated): gnomAD exomes below 0.00001.

Submission:

Labcorp Genetics (formerly Invitae), Labcorp
Classification: Uncertain significance for Dilated cardiomyopathy 1HH; Myofibrillar myopathy 6. Last evaluated: 2025-10-20. Review status: criteria provided, single submitter. Criteria: Invitae Variant Classification Sherloc (09022015). Collection method: clinical testing. Allele origin: germline.
Comment: This sequence change replaces serine, which is neutral and polar, with proline, which is neutral and non-polar, at codon 352 of the BAG3 protein (p.Ser352Pro). This variant is present in population databases (no rsID available, gnomAD 0.003%). This variant has not been reported in the literature in individuals affected with BAG3-related conditions. ClinVar contains an entry for this variant (Variation ID: 2139301). Invitae Evidence Modeling of protein sequence and biophysical properties (such as structural, functional, and spatial information, amino acid conservation, physicochemical variation, residue mobility, and thermodynamic stability) indicates that this missense variant is not expected to disrupt BAG3 protein function with a negative predictive value of 80%. In summary, the available evidence is currently insufficient to determine the role of this variant in disease. Therefore, it has been classified as a Variant of Uncertain Significance.